The following is an entry in ClinVar:

NM_001429.4(EP300):c.1282C>T (p.Pro428Ser)

Gene: EP300 (EP300 lysine acetyltransferase; plus strand). Cytogenetic location: 22q13.2.
Variant type: single nucleotide variant.
Coding change: c.1282C>T on transcript NM_001429.4 (MANE Select); coding-DNA position 1282, C replaced by T.
Protein change: p.Pro428Ser; replaces proline 428 with serine.
Molecular consequence: missense variant.
Genome position (GRCh38, 1-based): chr22:41,130,003, C>T. VCF-style: chr22-41130003-C-T. GRCh37 (hg19) VCF-style: chr22-41526007-C-T.
Other names: c.1282C>T, p.Pro428Ser (NM_001362843.2); short protein forms P428S.
Identifiers: ClinVar variation 2737048 (VCV002737048.4), dbSNP rs201341021, ClinGen allele CA10252460.

ClinVar aggregate classification (germline): Conflicting classifications of pathogenicity. Review status: criteria provided, conflicting classifications (1 of 4 stars). 2 submissions from 2 submitters: Uncertain significance (1); Likely benign (1). Last evaluated 2024-08-23.

Conditions:
Rubinstein-Taybi syndrome due to EP300 haploinsufficiency. Also called: EP300-Related Rubinstein-Taybi Syndrome; RUBINSTEIN-TAYBI SYNDROME 2. Identifiers: Orphanet 353284, Orphanet 783, MedGen C3150941, MONDO:0013364, OMIM 613684.

Allele frequency attached by ClinVar (database versions not stated): TOPMed below 0.00001; gnomAD exomes 0.00004; gnomAD 0.00005; ExAC 0.00007.
gnomAD v4.1: 62 of 1,605,520 alleles (0.0039%); highest among the groups gnomAD compares: Non-Finnish European, 0.00043%; no homozygotes.

Submissions (2):

Blueprint Genetics
Classification: Likely benign. Last evaluated: 2024-08-23. Review status: criteria provided, single submitter. Criteria: ACMG Guidelines, 2015. Collection method: clinical testing. Allele origin: germline.

Labcorp Genetics (formerly Invitae), Labcorp
Classification: Uncertain significance for Rubinstein-Taybi syndrome due to EP300 haploinsufficiency. Last evaluated: 2022-12-18. Review status: criteria provided, single submitter. Criteria: Invitae Variant Classification Sherloc (09022015). Collection method: clinical testing. Allele origin: germline.
Comment: This sequence change replaces proline, which is neutral and non-polar, with serine, which is neutral and polar, at codon 428 of the EP300 protein (p.Pro428Ser). This variant is present in population databases (rs201341021, gnomAD 0.06%), and has an allele count higher than expected for a pathogenic variant. This missense change has been observed in individual(s) with Rubinstein-Taybi syndrome (PMID: 26374735). Algorithms developed to predict the effect of missense changes on protein structure and function output the following: SIFT: "Tolerated"; PolyPhen-2: "Not Available"; Align-GVGD: "Class C0". The serine amino acid residue is found in multiple mammalian species, which suggests that this missense change does not adversely affect protein function. In summary, the available evidence is currently insufficient to determine the role of this variant in disease. Therefore, it has been classified as a Variant of Uncertain Significance.

Literature cited by the submitters: PubMed 26374735 (cited by Labcorp Genetics (formerly Invitae), Labcorp).